The following is an entry in ClinVar:

NM_000038.6(APC):c.5765A>T (p.Gln1922Leu)

Gene: APC (APC regulator of Wnt signaling pathway; plus strand). Cytogenetic location: 5q22.2.
Variant type: single nucleotide variant.
Coding change: c.5765A>T on transcript NM_000038.6 (MANE Select); coding-DNA position 5765, A replaced by T.
Protein change: p.Gln1922Leu; replaces glutamine 1922 with leucine.
Molecular consequence: missense variant.
Genome position (GRCh38, 1-based): chr5:112,841,359, A>T. VCF-style: chr5-112841359-A-T. GRCh37 (hg19) VCF-style: chr5-112177056-A-T.
Other names: c.5765A>T, p.Gln1922Leu (NM_001127510.3, NM_001354895.2); c.5711A>T, p.Gln1904Leu (NM_001127511.3); c.5819A>T, p.Gln1940Leu (NM_001354896.2); c.5795A>T, p.Gln1932Leu (NM_001354897.2); c.5690A>T, p.Gln1897Leu (NM_001354898.2); c.5681A>T, p.Gln1894Leu (NM_001354899.2); c.5642A>T, p.Gln1881Leu (NM_001354900.2); c.5588A>T, p.Gln1863Leu (NM_001354901.2); and 5 more; short protein forms Q1639L, Q1863L, Q1762L, Q1881L, Q1897L, Q1904L, Q1922L, Q1796L.
Identifiers: ClinVar variation 967849 (VCV000967849.11), dbSNP rs1766037014, ClinGen allele CA16033946.

ClinVar aggregate classification (germline): Uncertain significance. Review status: criteria provided, multiple submitters, no conflicts (2 of 4 stars). 2 submissions from 2 submitters: Uncertain significance (2). Last evaluated 2022-12-05.

Conditions:
Hereditary cancer-predisposing syndrome. Also called: Hereditary neoplastic syndrome; Neoplastic Syndromes, Hereditary; Hereditary Cancer Syndrome; Tumor predisposition. Identifiers: Orphanet 140162, MedGen C0027672, MeSH D009386, MONDO:0015356.
Familial adenomatous polyposis 1 (FAP1). Also called: POLYPOSIS, ADENOMATOUS INTESTINAL; FAMILIAL ADENOMATOUS POLYPOSIS 1, ATTENUATED. Identifiers: MedGen C2713442, MONDO:0021056, OMIM 175100. Disease mechanism: loss of function.

Submissions (2):

Ambry Genetics
Classification: Uncertain significance for Hereditary cancer-predisposing syndrome. Last evaluated: 2022-12-05. Review status: criteria provided, single submitter. Criteria: Ambry Variant Classification Scheme 2023. Collection method: clinical testing. Allele origin: germline.
Comment: The p.Q1922L variant (also known as c.5765A>T), located in coding exon 15 of the APC gene, results from an A to T substitution at nucleotide position 5765. The glutamine at codon 1922 is replaced by leucine, an amino acid with dissimilar properties. This amino acid position is conserved. In addition, in silico predictors for this gene do not accurately predict pathogenicity. Since supporting evidence is limited at this time, the clinical significance of this alteration remains unclear.

Labcorp Genetics (formerly Invitae), Labcorp
Classification: Uncertain significance for Familial adenomatous polyposis 1. Last evaluated: 2019-10-16. Review status: criteria provided, single submitter. Criteria: Invitae Variant Classification Sherloc (09022015). Collection method: clinical testing. Allele origin: germline.
Comment: In summary, the available evidence is currently insufficient to determine the role of this variant in disease. Therefore, it has been classified as a Variant of Uncertain Significance. Algorithms developed to predict the effect of missense changes on protein structure and function are either unavailable or do not agree on the potential impact of this missense change (SIFT: "Deleterious"; PolyPhen-2: "Benign"; Align-GVGD: "Class C0"). This variant has not been reported in the literature in individuals with APC-related conditions. This variant is not present in population databases (ExAC no frequency). This sequence change replaces glutamine with leucine at codon 1922 of the APC protein (p.Gln1922Leu). The glutamine residue is highly conserved and there is a moderate physicochemical difference between glutamine and leucine.